The following is an entry in ClinVar:

NM_206933.4(USH2A):c.14970del (p.Phe4991fs)

Gene: USH2A (usherin; minus strand). Cytogenetic location: 1q41.
Variant type: Deletion.
Coding change: c.14970del on transcript NM_206933.4 (MANE Select); coding-DNA position 14970, one base deleted (C; older notation c.14970delC).
Protein change: p.Phe4991fs; shifts the reading frame from phenylalanine 4991.
Molecular consequence: frameshift variant.
Genome position (GRCh38, 1-based): chr1:215,639,237, G deleted on the plus strand (C on the coding strand, the reverse complement: USH2A is on the minus strand); the first of 2 consecutive G bases (chr1:215,639,237-215,639,238); deleting either gives the same sequence. VCF-style (leftmost placement, unchanged base first): chr1-215639236-AG-A. GRCh37 (hg19) VCF-style: chr1-215812578-AG-A.
Other names: short protein forms F4991fs.
Identifiers: ClinVar variation 2792462 (VCV002792462.4), dbSNP rs2464785059, ClinGen allele CA2739275619.

ClinVar aggregate classification (germline): Pathogenic/Likely pathogenic. Review status: criteria provided, multiple submitters, no conflicts (2 of 4 stars). 2 submissions from 2 submitters: Pathogenic (1); Likely pathogenic (1). Last evaluated 2023-12-28.

Conditions:
Retinitis pigmentosa 39 (RP39). Identifiers: Orphanet 791, MedGen C3151138, MONDO:0013436, OMIM 613809.

Submissions (2):

Baylor Genetics
Classification: Likely pathogenic for Retinitis pigmentosa 39. Last evaluated: 2023-12-28. Review status: criteria provided, single submitter. Criteria: ACMG Guidelines, 2015. Collection method: clinical testing. Allele origin: unknown.

Labcorp Genetics (formerly Invitae), Labcorp
Classification: Pathogenic. Last evaluated: 2023-09-15. Review status: criteria provided, single submitter. Criteria: Invitae Variant Classification Sherloc (09022015). Collection method: clinical testing. Allele origin: germline.
Comment: For these reasons, this variant has been classified as Pathogenic. Algorithms developed to predict the effect of sequence changes on RNA splicing suggest that this variant may disrupt the consensus splice site. This variant has not been reported in the literature in individuals affected with USH2A-related conditions. This variant is not present in population databases (gnomAD no frequency). This sequence change creates a premature translational stop signal (p.Phe4991Serfs*18) in the USH2A gene. It is expected to result in an absent or disrupted protein product. Loss-of-function variants in USH2A are known to be pathogenic (PMID: 10729113, 10909849, 20507924, 25649381).

Literature cited by the submitters: PubMed 10729113 (cited by Labcorp Genetics (formerly Invitae), Labcorp); PubMed 10909849 (cited by Labcorp Genetics (formerly Invitae), Labcorp); PubMed 20507924 (cited by Labcorp Genetics (formerly Invitae), Labcorp); PubMed 25649381 (cited by Labcorp Genetics (formerly Invitae), Labcorp).